The following is an entry in ClinVar:

NM_033026.6(PCLO):c.6341C>T (p.Ala2114Val)

Gene: PCLO (piccolo presynaptic cytomatrix protein; minus strand). Cytogenetic location: 7q21.11.
Variant type: single nucleotide variant.
Coding change: c.6341C>T on transcript NM_033026.6 (MANE Select); coding-DNA position 6341, C replaced by T.
Protein change: p.Ala2114Val; replaces alanine 2114 with valine.
Molecular consequence: missense variant.
Genome position (GRCh38, 1-based): chr7:82,954,612, G>A on the plus strand (C>T on the coding strand, the complement: PCLO is on the minus strand). VCF-style: chr7-82954612-G-A. GRCh37 (hg19) VCF-style: chr7-82583928-G-A.
Other names: c.6341C>T, p.Ala2114Val (NM_014510.3); short protein forms A2114V.
Identifiers: ClinVar variation 1975914 (VCV001975914.4), dbSNP rs756325339, ClinGen allele CA4320491.

ClinVar aggregate classification (germline): Uncertain significance (1 of 4 stars; one submission).

Allele frequency attached by ClinVar (database versions not stated): ExAC 0.00001; gnomAD 0.00001; gnomAD exomes 0.00003.
gnomAD v4.1: 29 of 1,613,738 alleles (0.0018%); highest among the groups gnomAD compares: Non-Finnish European, 0.0023%; no homozygotes.

Submission:

Labcorp Genetics (formerly Invitae), Labcorp
Classification: Uncertain significance. Last evaluated: 2024-10-30. Review status: criteria provided, single submitter. Criteria: Invitae Variant Classification Sherloc (09022015). Collection method: clinical testing. Allele origin: germline.
Comment: This sequence change replaces alanine, which is neutral and non-polar, with valine, which is neutral and non-polar, at codon 2114 of the PCLO protein (p.Ala2114Val). This variant is present in population databases (rs756325339, gnomAD 0.06%). This variant has not been reported in the literature in individuals affected with PCLO-related conditions. ClinVar contains an entry for this variant (Variation ID: 1975914). An algorithm developed to predict the effect of missense changes on protein structure and function outputs the following: PolyPhen-2: "Not Available". The valine amino acid residue is found in multiple mammalian species, which suggests that this missense change does not adversely affect protein function. In summary, the available evidence is currently insufficient to determine the role of this variant in disease. Therefore, it has been classified as a Variant of Uncertain Significance.